The following is an entry in ClinVar:

NM_000431.4(MVK):c.1027C>T (p.Leu343Phe)

Gene: MVK (mevalonate kinase; plus strand). Cytogenetic location: 12q24.11.
Variant type: single nucleotide variant.
Coding change: c.1027C>T on transcript NM_000431.4 (MANE Select); coding-DNA position 1027, C replaced by T.
Protein change: p.Leu343Phe; replaces leucine 343 with phenylalanine.
Molecular consequence: missense variant. On other transcripts: non-coding transcript variant (4).
Genome position (GRCh38, 1-based): chr12:109,595,169, C>T. VCF-style: chr12-109595169-C-T. GRCh37 (hg19) VCF-style: chr12-110032974-C-T.
Other names: c.1027C>T, p.Leu343Phe (NM_001114185.3, NM_001414511.1, NM_001414513.1); c.871C>T, p.Leu291Phe (NM_001301182.2, NM_001414514.1); c.1102C>T, p.Leu368Phe (NM_001414512.1); c.445C>T, p.Leu149Phe (NM_001414515.1); short protein forms L343F, L368F, L149F, L291F.
Identifiers: ClinVar variation 2951048 (VCV002951048.3), dbSNP rs1009360899, ClinGen allele CA243461870.

ClinVar aggregate classification (germline): Uncertain significance (1 of 4 stars; one submission).

Conditions:
Hyperimmunoglobulin D with periodic fever (HIDS). Also called: Hyperimmunoglobulinemia D; Hyperimmunoglobulinemia D with periodic fever; HYPERIMMUNOGLOBULINEMIA D AND PERIODIC FEVER SYNDROME. Identifiers: Orphanet 343, MedGen C0398691, MONDO:0009849, OMIM 260920.
Porokeratosis 3, disseminated superficial actinic type (POROK3). Also called: POROKERATOSIS, DISSEMINATED SUPERFICIAL ACTINIC, 1; POROKERATOSIS 3, MULTIPLE TYPES; POROKERATOSIS 3, MIBELLI TYPE. Identifiers: MedGen C1867981, MONDO:0008293, OMIM 175900.
Mevalonic aciduria (MEVA). Identifiers: Orphanet 29, MedGen C1959626, MONDO:0012481, OMIM 610377.

Submission:

Labcorp Genetics (formerly Invitae), Labcorp
Classification: Uncertain significance for Mevalonic aciduria; Hyperimmunoglobulin D with periodic fever; Porokeratosis 3, disseminated superficial actinic type. Last evaluated: 2023-08-17. Review status: criteria provided, single submitter. Criteria: Invitae Variant Classification Sherloc (09022015). Collection method: clinical testing. Allele origin: germline.
Comment: In summary, the available evidence is currently insufficient to determine the role of this variant in disease. Therefore, it has been classified as a Variant of Uncertain Significance. Advanced modeling of protein sequence and biophysical properties (such as structural, functional, and spatial information, amino acid conservation, physicochemical variation, residue mobility, and thermodynamic stability) performed at Invitae indicates that this missense variant is not expected to disrupt MVK protein function. This variant has not been reported in the literature in individuals affected with MVK-related conditions. This variant is not present in population databases (gnomAD no frequency). This sequence change replaces leucine, which is neutral and non-polar, with phenylalanine, which is neutral and non-polar, at codon 343 of the MVK protein (p.Leu343Phe).